The following is an entry in ClinVar:

ClinVar aggregate classification (germline): Uncertain significance (1 of 4 stars; one submission).

Submission:

Labcorp Genetics (formerly Invitae), Labcorp
Classification: Uncertain significance. Last evaluated: 2025-04-28. Review status: criteria provided, single submitter. Criteria: Invitae Variant Classification Sherloc (09022015). Collection method: clinical testing. Allele origin: germline.
Comment: This sequence change replaces valine, which is neutral and non-polar, with leucine, which is neutral and non-polar, at codon 431 of the CDH3 protein (p.Val431Leu). This variant is present in population databases (rs373094389, gnomAD 0.002%). This variant has not been reported in the literature in individuals affected with CDH3-related conditions. ClinVar contains an entry for this variant (Variation ID: 965696). Invitae Evidence Modeling of protein sequence and biophysical properties (such as structural, functional, and spatial information, amino acid conservation, physicochemical variation, residue mobility, and thermodynamic stability) indicates that this missense variant is not expected to disrupt CDH3 protein function with a negative predictive value of 80%. In summary, the available evidence is currently insufficient to determine the role of this variant in disease. Therefore, it has been classified as a Variant of Uncertain Significance.

NM_001793.6(CDH3):c.1291G>C (p.Val431Leu)

Gene: CDH3 (cadherin 3; plus strand). Cytogenetic location: 16q22.1.
Variant type: single nucleotide variant.
Coding change: c.1291G>C on transcript NM_001793.6 (MANE Select); coding-DNA position 1291, G replaced by C.
Protein change: p.Val431Leu; replaces valine 431 with leucine.
Molecular consequence: missense variant.
Genome position (GRCh38, 1-based): chr16:68,684,691, G>C. VCF-style: chr16-68684691-G-C. GRCh37 (hg19) VCF-style: chr16-68718594-G-C.
Other names: c.1291G>C, p.Val431Leu (NM_001317195.3); c.1126G>C, p.Val376Leu (NM_001317196.2); short protein forms V376L, V431L.
Identifiers: ClinVar variation 965696 (VCV000965696.7), dbSNP rs373094389, ClinGen allele CA283280223.